The following is an entry in ClinVar:

ClinVar aggregate classification (germline): Uncertain significance (1 of 4 stars; one submission).

Conditions:
RYR1-related disorder. Also called: RYR1-related condition; RYR1-related disorders. Identifiers: MedGen CN239331.

Submission:

Labcorp Genetics (formerly Invitae), Labcorp
Classification: Uncertain significance for RYR1-related disorder. Last evaluated: 2024-05-22. Review status: criteria provided, single submitter. Criteria: Invitae Variant Classification Sherloc (09022015). Collection method: clinical testing. Allele origin: germline.
Comment: This sequence change replaces methionine, which is neutral and non-polar, with valine, which is neutral and non-polar, at codon 3201 of the RYR1 protein (p.Met3201Val). This variant is not present in population databases (gnomAD no frequency). This variant has not been reported in the literature in individuals affected with RYR1-related conditions. ClinVar contains an entry for this variant (Variation ID: 1444958). Advanced modeling of protein sequence and biophysical properties (such as structural, functional, and spatial information, amino acid conservation, physicochemical variation, residue mobility, and thermodynamic stability) performed at Invitae indicates that this missense variant is not expected to disrupt RYR1 protein function with a negative predictive value of 95%. In summary, the available evidence is currently insufficient to determine the role of this variant in disease. Therefore, it has been classified as a Variant of Uncertain Significance.

NM_000540.3(RYR1):c.9601A>G (p.Met3201Val)

Gene: RYR1 (ryanodine receptor 1; plus strand). Cytogenetic location: 19q13.2.
Variant type: single nucleotide variant.
Coding change: c.9601A>G on transcript NM_000540.3 (MANE Select); coding-DNA position 9601, A replaced by G.
Protein change: p.Met3201Val; replaces methionine 3201 with valine.
Molecular consequence: missense variant.
Genome position (GRCh38, 1-based): chr19:38,516,133, A>G. VCF-style: chr19-38516133-A-G. GRCh37 (hg19) VCF-style: chr19-39006773-A-G.
Other names: c.9601A>G, p.Met3201Val (NM_001042723.2); short protein forms M3201V.
Identifiers: ClinVar variation 1444958 (VCV001444958.5), dbSNP rs2145677135, ClinGen allele CA405690236.